The following is an entry in ClinVar:

NM_020461.4(TUBGCP6):c.1786T>C (p.Tyr596His)

Gene: TUBGCP6 (tubulin gamma complex component 6; minus strand). Cytogenetic location: 22q13.33.
Variant type: single nucleotide variant.
Coding change: c.1786T>C on transcript NM_020461.4 (MANE Select); coding-DNA position 1786, T replaced by C.
Protein change: p.Tyr596His; replaces tyrosine 596 with histidine.
Molecular consequence: missense variant.
Genome position (GRCh38, 1-based): chr22:50,226,097, A>G on the plus strand (T>C on the coding strand, the complement: TUBGCP6 is on the minus strand). VCF-style: chr22-50226097-A-G. GRCh37 (hg19) VCF-style: chr22-50664526-A-G.
Other names: short protein forms Y596H.
Identifiers: ClinVar variation 1003398 (VCV001003398.5), dbSNP rs746350849, ClinGen allele CA10308517.

ClinVar aggregate classification (germline): Uncertain significance. Review status: criteria provided, multiple submitters, no conflicts (2 of 4 stars). 2 submissions from 2 submitters: Uncertain significance (2). Last evaluated 2023-01-25.

Allele frequency attached by ClinVar (database versions not stated): ExAC 0.00001; gnomAD exomes 0.00001; gnomAD 0.00002; TOPMed 0.00004.
gnomAD v4.1: 9 of 1,614,046 alleles (0.00056%); highest among the groups gnomAD compares: Middle Eastern, 0.033%; no homozygotes.

Submissions (2):

Blueprint Genetics
Classification: Uncertain significance. Last evaluated: 2023-01-25. Review status: criteria provided, single submitter. Criteria: ACMG Guidelines, 2015. Collection method: clinical testing. Allele origin: germline.

Labcorp Genetics (formerly Invitae), Labcorp
Classification: Uncertain significance. Last evaluated: 2022-08-16. Review status: criteria provided, single submitter. Criteria: Invitae Variant Classification Sherloc (09022015). Collection method: clinical testing. Allele origin: germline.
Comment: This sequence change replaces tyrosine, which is neutral and polar, with histidine, which is basic and polar, at codon 596 of the TUBGCP6 protein (p.Tyr596His). This variant is present in population databases (rs746350849, gnomAD 0.007%). This missense change has been observed in individual(s) with clinical features of TUBGCP6-related conditions (PMID: 31130284). ClinVar contains an entry for this variant (Variation ID: 1003398). Algorithms developed to predict the effect of missense changes on protein structure and function are either unavailable or do not agree on the potential impact of this missense change (SIFT: "Tolerated"; PolyPhen-2: "Probably Damaging"; Align-GVGD: "Class C0"). In summary, the available evidence is currently insufficient to determine the role of this variant in disease. Therefore, it has been classified as a Variant of Uncertain Significance.

Literature cited by the submitters: PubMed 31130284 (cited by Labcorp Genetics (formerly Invitae), Labcorp).